The following is an entry in ClinVar:

NM_205768.3(ZBTB18):c.1422G>A (p.Pro474=)

Gene: ZBTB18 (zinc finger and BTB domain containing 18; plus strand). Cytogenetic location: 1q44.
Variant type: single nucleotide variant.
Coding change: c.1422G>A on transcript NM_205768.3 (MANE Select); coding-DNA position 1422, G replaced by A.
Protein change: p.Pro474=; no amino-acid change (proline 474 retained).
Molecular consequence: synonymous variant.
Genome position (GRCh38, 1-based): chr1:244,055,196, G>A. VCF-style: chr1-244055196-G-A. GRCh37 (hg19) VCF-style: chr1-244218498-G-A.
Other names: c.1395G>A, p.Pro465= (NM_001278196.2, NM_006352.5).
Identifiers: ClinVar variation 2081705 (VCV002081705.8), dbSNP rs371109690, ClinGen allele CA1484457.

ClinVar aggregate classification (germline): Benign/Likely benign. Review status: criteria provided, multiple submitters, no conflicts (2 of 4 stars). 2 submissions from 2 submitters: Benign (1); Likely benign (1). Last evaluated 2026-01-09.

Allele frequency attached by ClinVar (database versions not stated): ESP Exome Variant Server 0.00008; ExAC 0.00009; TOPMed 0.00009.

Submissions (2):

Labcorp Genetics (formerly Invitae), Labcorp
Classification: Benign. Last evaluated: 2026-01-09. Review status: criteria provided, single submitter. Criteria: Invitae Variant Classification Sherloc (09022015). Collection method: clinical testing. Allele origin: germline.

CeGaT Center for Human Genetics Tuebingen
Classification: Likely benign. Last evaluated: 2026-01-01. Review status: criteria provided, single submitter. Criteria: CeGaT Center For Human Genetics Tuebingen Variant Classification Criteria Version 2. Collection method: clinical testing. Allele origin: germline. Affected: yes. Observed: 1 variant allele.
Comment: ZBTB18: BP4, BP7